The following is an entry in ClinVar:

NM_006648.4(WNK2):c.3028C>T (p.Pro1010Ser)

Gene: WNK2 (WNK lysine deficient protein kinase 2; plus strand). Cytogenetic location: 9q22.31.
Variant type: single nucleotide variant.
Coding change: c.3028C>T on transcript NM_006648.4 (MANE Select); coding-DNA position 3028, C replaced by T.
Protein change: p.Pro1010Ser; replaces proline 1010 with serine.
Molecular consequence: missense variant.
Genome position (GRCh38, 1-based): chr9:93,259,576, C>T. VCF-style: chr9-93259576-C-T. GRCh37 (hg19) VCF-style: chr9-96021858-C-T.
Other names: c.3028C>T, p.Pro1010Ser (NM_001282394.3); short protein forms P1010S.
Identifiers: ClinVar variation 3470607 (VCV003470607.1).

ClinVar aggregate classification (germline): Uncertain significance (1 of 4 stars; one submission).

Submission:

Ambry Genetics
Classification: Uncertain significance. Last evaluated: 2024-12-06. Review status: criteria provided, single submitter. Criteria: Ambry Variant Classification Scheme 2023. Collection method: clinical testing. Allele origin: germline.
Comment: The p.P1010S variant (also known as c.3028C>T), located in coding exon 11 of the WNK2 gene, results from a C to T substitution at nucleotide position 3028. The proline at codon 1010 is replaced by serine, an amino acid with similar properties. This amino acid position is conserved. In addition, this alteration is predicted to be tolerated by in silico analysis. Based on the available evidence, the clinical significance of this variant remains unclear.